The following is an entry in ClinVar:

ClinVar aggregate classification (germline): Likely benign. Review status: criteria provided, multiple submitters, no conflicts (2 of 4 stars). 2 submissions from 2 submitters: Likely benign (2). Last evaluated 2025-08-02.

Conditions:
Tuberous sclerosis 2 (TSC2). Identifiers: Orphanet 805, MedGen C1860707, MONDO:0013199, OMIM 613254.

Submissions (2):

Labcorp Genetics (formerly Invitae), Labcorp
Classification: Likely benign for Tuberous sclerosis 2. Last evaluated: 2025-08-02. Review status: criteria provided, single submitter. Criteria: Invitae Variant Classification Sherloc (09022015). Collection method: clinical testing. Allele origin: germline.

Myriad Genetics, Inc.
Classification: Likely benign for Tuberous sclerosis 2. Last evaluated: 2025-05-29. Review status: criteria provided, single submitter. Criteria: Myriad Autosomal Dominant, Autosomal Recessive and X-Linked Classification Criteria (2023). Collection method: clinical testing. Allele origin: unknown.
Comment: This variant is considered likely benign. This variant is intronic and is not expected to impact mRNA splicing.

NM_000548.5(TSC2):c.3610+9C>A

Gene: TSC2 (TSC complex subunit 2; plus strand). Cytogenetic location: 16p13.3.
Variant type: single nucleotide variant.
Coding change: c.3610+9C>A on transcript NM_000548.5 (MANE Select); 9 bases into the intron after coding-DNA position 3610, C replaced by A.
Molecular consequence: intron variant.
Genome position (GRCh38, 1-based): chr16:2,080,386, C>A. VCF-style: chr16-2080386-C-A. GRCh37 (hg19) VCF-style: chr16-2130387-C-A.
Other names: c.3610+9C>A (NM_001114382.3); c.3481+9C>A (NM_021055.3, NM_001370405.1, NM_001363528.2); c.3478+9C>A (NM_001370404.1, NM_001077183.3); c.3370+9C>A (NM_001318827.2); c.2878+9C>A (NM_001318831.2); c.3334+9C>A (NM_001318829.2); c.3511+9C>A (NM_001318832.2).
Identifiers: ClinVar variation 1109036 (VCV001109036.10), dbSNP rs45467194, ClinGen allele CA2499223325.